The following is an entry in ClinVar:

NM_000553.6(WRN):c.599G>T (p.Trp200Leu)

Gene: WRN (WRN RecQ like helicase; plus strand). Cytogenetic location: 8p12.
Variant type: single nucleotide variant.
Coding change: c.599G>T on transcript NM_000553.6 (MANE Select); coding-DNA position 599, G replaced by T.
Protein change: p.Trp200Leu; replaces tryptophan 200 with leucine.
Molecular consequence: missense variant.
Genome position (GRCh38, 1-based): chr8:31,067,127, G>T. VCF-style: chr8-31067127-G-T. GRCh37 (hg19) VCF-style: chr8-30924643-G-T.
Other names: short protein forms W200L.
Identifiers: ClinVar variation 2743174 (VCV002743174.3), dbSNP rs2535887383, ClinGen allele CA370916227.

ClinVar aggregate classification (germline): Uncertain significance (1 of 4 stars; one submission).

Conditions:
Werner syndrome (WRN). Identifiers: Orphanet 902, MedGen C0043119, MONDO:0010196, OMIM 277700.

Submission:

Labcorp Genetics (formerly Invitae), Labcorp
Classification: Uncertain significance for Werner syndrome. Last evaluated: 2023-07-14. Review status: criteria provided, single submitter. Criteria: Invitae Variant Classification Sherloc (09022015). Collection method: clinical testing. Allele origin: germline.
Comment: In summary, the available evidence is currently insufficient to determine the role of this variant in disease. Therefore, it has been classified as a Variant of Uncertain Significance. An algorithm developed to predict the effect of missense changes on protein structure and function (PolyPhen-2) suggests that this variant is likely to be disruptive. This variant has not been reported in the literature in individuals affected with WRN-related conditions. This variant is not present in population databases (gnomAD no frequency). This sequence change replaces tryptophan, which is neutral and slightly polar, with leucine, which is neutral and non-polar, at codon 200 of the WRN protein (p.Trp200Leu).